The following is an entry in ClinVar:

NM_007294.4(BRCA1):c.3118A>G (p.Ser1040Gly)

Gene: BRCA1 (BRCA1 DNA repair associated; minus strand). Cytogenetic location: 17q21.31.
Variant type: single nucleotide variant.
Coding change: c.3118A>G on transcript NM_007294.4 (MANE Select); coding-DNA position 3118, A replaced by G.
Protein change: p.Ser1040Gly; replaces serine 1040 with glycine.
Molecular consequence: missense variant. On other transcripts: intron variant (137).
Genome position (GRCh38, 1-based): chr17:43,092,413, T>C on the plus strand (A>G on the coding strand, the complement: BRCA1 is on the minus strand). VCF-style: chr17-43092413-T-C. GRCh37 (hg19) VCF-style: chr17-41244430-T-C.
Other names: c.788-1381A>G (NM_001407975.1, NM_001407971.1, NM_001407981.1 and 17 more transcripts); c.791-1390A>G (NM_001408406.1); c.647-1381A>G (NM_001408456.1, NM_001408410.1, NM_001408458.1 and 11 more transcripts); c.644-1381A>G (NM_001408465.1, NM_001408463.1, NM_001408462.1 and 3 more transcripts); c.578-1381A>G (NM_001408482.1, NM_001408484.1, NM_001408478.1 and 9 more transcripts); c.521-1381A>G (NM_001408504.1, NM_001408503.1, NM_001408505.1); c.524-1381A>G (NM_001408499.1, NM_001408498.1, NM_001408501.1 and 3 more transcripts); c.671-1381A>G (NM_001408422.1, NM_001408418.1, NM_001408423.1 and 2 more transcripts); and 41 more; short protein forms S1039G, S1040G, S952G, S972G, S992G, S998G, S1013G, S744G.
Identifiers: ClinVar variation 2153465 (VCV002153465.6), dbSNP rs2552169804, ClinGen allele CA10595749.
Genomic context (GRCh38, chr17:43,092,413, plus strand): 5'-CATTAATACTGGAGCCCACTTCATTAGTACTGGAACCTACTTCATTAATATTGCTTGAGC[T>C]GGCTTCTTTAAAAACATTTTCTCTAATGTTATTACGGCTAATTGTGCTCACTGTACTTGG-3'
Protein context (NP_009225.1, residues 1030-1050): NIRENVFKEA[Ser1040Gly]SSNINEVGSS

ClinVar aggregate classification (germline): Conflicting classifications of pathogenicity. Review status: criteria provided, conflicting classifications (1 of 4 stars). 2 submissions from 2 submitters: Uncertain significance (1); Likely benign (1). Last evaluated 2023-03-23.

Conditions:
Hereditary cancer-predisposing syndrome. Also called: Neoplastic Syndromes, Hereditary; Hereditary Cancer Syndrome; Tumor predisposition; Hereditary neoplastic syndrome. Identifiers: Orphanet 140162, MedGen C0027672, MeSH D009386, MONDO:0015356.
Hereditary breast ovarian cancer syndrome. Also called: Hereditary breast and ovarian cancer syndrome; Hereditary breast and ovarian cancer; Hereditary breast and ovarian cancer syndrome (HBOC); Breast and ovarian cancer; BRCA1- and BRCA2-Associated Hereditary Breast and Ovarian Cancer; Hereditary breast and/or ovarian cancer syndrome. Identifiers: Orphanet 145, MedGen C0677776, MeSH D061325, MONDO:0003582. Disease mechanism: loss of function.

Submissions (2):

University of Washington Department of Laboratory Medicine, University of Washington
Classification: Likely benign for Hereditary cancer-predisposing syndrome. Last evaluated: 2023-03-23. Review status: criteria provided, single submitter. Criteria: Dines et al. (Genet Med. 2020). Collection method: curation. Allele origin: germline.
Comment: Missense variant in a coldspot region where missense variants are very unlikely to be pathogenic (PMID:31911673).

BRCA1 coldspot (exon 11 using historical exon numbering). Reclassification based on statistical prior probability

Labcorp Genetics (formerly Invitae), Labcorp
Classification: Uncertain significance for Hereditary breast ovarian cancer syndrome. Last evaluated: 2022-01-11. Review status: criteria provided, single submitter. Criteria: Invitae Variant Classification Sherloc (09022015). Collection method: clinical testing. Allele origin: germline.
Comment: Advanced modeling of protein sequence and biophysical properties (such as structural, functional, and spatial information, amino acid conservation, physicochemical variation, residue mobility, and thermodynamic stability) performed at Invitae indicates that this missense variant is not expected to disrupt BRCA1 protein function. In summary, the available evidence is currently insufficient to determine the role of this variant in disease. Therefore, it has been classified as a Variant of Uncertain Significance. This variant has not been reported in the literature in individuals affected with BRCA1-related conditions. This variant is not present in population databases (gnomAD no frequency). This sequence change replaces serine, which is neutral and polar, with glycine, which is neutral and non-polar, at codon 1040 of the BRCA1 protein (p.Ser1040Gly).